The following is an entry in ClinVar:

NM_000038.6(APC):c.5691del (p.His1897fs)

Gene: APC (APC regulator of Wnt signaling pathway; plus strand). Cytogenetic location: 5q22.2.
Variant type: Deletion.
Coding change: c.5691del on transcript NM_000038.6 (MANE Select); coding-DNA position 5691, one base deleted (C; older notation c.5691delC).
Protein change: p.His1897fs; shifts the reading frame from histidine 1897.
Molecular consequence: frameshift variant.
Genome position (GRCh38, 1-based): chr5:112,841,285, C deleted. VCF-style (leftmost placement, unchanged base first): chr5-112841284-AC-A. GRCh37 (hg19) VCF-style: chr5-112176981-AC-A.
Other names: c.5691del (NM_000038.5); c.5691del, p.His1897fs (NM_001127510.3, NM_001354895.2); c.5637del, p.His1879fs (NM_001127511.3); c.5745del, p.His1915fs (NM_001354896.2); c.5721del, p.His1907fs (NM_001354897.2); c.5616del, p.His1872fs (NM_001354898.2); c.5607del, p.His1869fs (NM_001354899.2); c.5568del, p.His1856fs (NM_001354900.2); and 6 more; short protein forms H1737fs, H1915fs, H1771fs, H1806fs, H1879fs, H1796fs, H1838fs, H1856fs.
Identifiers: ClinVar variation 648122 (VCV000648122.13), dbSNP rs1580662647, ClinGen allele CA915943502.

ClinVar aggregate classification (germline): Pathogenic. Review status: criteria provided, multiple submitters, no conflicts (2 of 4 stars). 2 submissions from 2 submitters: Pathogenic (2). Last evaluated 2023-07-18.

Conditions:
Familial adenomatous polyposis 1 (FAP1). Also called: FAMILIAL ADENOMATOUS POLYPOSIS 1, ATTENUATED; POLYPOSIS, ADENOMATOUS INTESTINAL. Identifiers: MedGen C2713442, MONDO:0021056, OMIM 175100. Disease mechanism: loss of function.

Submissions (2):

Labcorp Genetics (formerly Invitae), Labcorp
Classification: Pathogenic for Familial adenomatous polyposis 1. Last evaluated: 2023-07-18. Review status: criteria provided, single submitter. Criteria: Invitae Variant Classification Sherloc (09022015). Collection method: clinical testing. Allele origin: germline.
Comment: This sequence change creates a premature translational stop signal (p.His1897Glnfs*4) in the APC gene. While this is not anticipated to result in nonsense mediated decay, it is expected to disrupt the last 947 amino acid(s) of the APC protein. This variant is not present in population databases (gnomAD no frequency). This variant has not been reported in the literature in individuals affected with APC-related conditions. ClinVar contains an entry for this variant (Variation ID: 648122). This variant is expected to disrupt the EB1 and HDLG binding sites, which mediate interactions with the cytoskeleton (PMID: 15311282, 17293347). While functional studies have not been performed to directly test the effect on APC protein function, this suggests that disruption of the C-terminal portion of the protein is functionally important. A different truncation (p.Tyr2645Lysfs*14) that lies downstream of this variant has been determined to be pathogenic (PMID: 9824584, 1316610, 27081525, 8381579, 22135120, Invitae). This suggests that deletion of this region of the APC protein is causative of disease. For these reasons, this variant has been classified as Pathogenic.

Myriad Genetics, Inc.
Classification: Pathogenic for Familial adenomatous polyposis 1. Last evaluated: 2023-05-12. Review status: criteria provided, single submitter. Criteria: Myriad Autosomal Dominant, Autosomal Recessive and X-Linked Classification Criteria (2023). Collection method: clinical testing. Allele origin: unknown.
Comment: This variant is considered pathogenic. This variant creates a frameshift predicted to result in premature protein truncation.

Literature cited by the submitters: PubMed 15311282 (cited by Labcorp Genetics (formerly Invitae), Labcorp); PubMed 17293347 (cited by Labcorp Genetics (formerly Invitae), Labcorp); PubMed 9824584 (cited by Labcorp Genetics (formerly Invitae), Labcorp); PubMed 1316610 (cited by Labcorp Genetics (formerly Invitae), Labcorp); PubMed 27081525 (cited by Labcorp Genetics (formerly Invitae), Labcorp); PubMed 8381579 (cited by Labcorp Genetics (formerly Invitae), Labcorp); PubMed 22135120 (cited by Labcorp Genetics (formerly Invitae), Labcorp).